The following is an entry in ClinVar:

ClinVar aggregate classification (germline): Likely benign (0 of 4 stars; one submission).

Conditions:
LRIG2-related disorder. Also called: LRIG2-related condition.

Allele frequency attached by ClinVar (database versions not stated): gnomAD 0.00001; ExAC 0.00002; gnomAD exomes 0.00002; TOPMed 0.00002.
gnomAD v4.1: 33 of 1,613,922 alleles (0.002%); highest among the groups gnomAD compares: African/African-American, 0.0053%; no homozygotes.

Submission:

PreventionGenetics, part of Exact Sciences
Classification: Likely benign for LRIG2-related condition. Last evaluated: 2019-07-12. Review status: no assertion criteria provided. Collection method: clinical testing. Allele origin: germline.
Comment: This variant is classified as likely benign based on ACMG/AMP sequence variant interpretation guidelines (Richards et al. 2015 PMID: 25741868, with internal and published modifications).

NM_014813.3(LRIG2):c.2784C>T (p.Asp928=)

Gene: LRIG2 (leucine rich repeats and immunoglobulin like domains 2; plus strand). Cytogenetic location: 1p13.2.
Variant type: single nucleotide variant.
Coding change: c.2784C>T on transcript NM_014813.3 (MANE Select); coding-DNA position 2784, C replaced by T.
Protein change: p.Asp928=; no amino-acid change (aspartic acid 928 retained).
Molecular consequence: synonymous variant.
Genome position (GRCh38, 1-based): chr1:113,119,336, C>T. VCF-style: chr1-113119336-C-T. GRCh37 (hg19) VCF-style: chr1-113661958-C-T.
Other names: c.2475C>T, p.Asp825= (NM_001312686.2).
Identifiers: ClinVar variation 3049884 (VCV003049884.2), dbSNP rs767075766, ClinGen allele CA1012344.